The following is an entry in ClinVar:

NM_001146227.3(RPS20):c.402C>T (p.Phe134=)

Gene: RPS20 (ribosomal protein S20; minus strand). Cytogenetic location: 8q12.1.
Variant type: single nucleotide variant.
Coding change: c.402C>T on transcript NM_001146227.3; coding-DNA position 402, C replaced by T.
Protein change: p.Phe134=; no amino-acid change (phenylalanine 134 retained).
Molecular consequence: synonymous variant.
Genome position (GRCh38, 1-based): chr8:56,069,765, G>A on the plus strand (C>T on the coding strand, the complement: RPS20 is on the minus strand). VCF-style: chr8-56069765-G-A. GRCh37 (hg19) VCF-style: chr8-56982324-G-A.
Identifiers: ClinVar variation 5042316 (VCV005042316.1).

ClinVar aggregate classification (germline): Benign (1 of 4 stars; one submission).

Conditions:
Familial colorectal cancer type X. Identifiers: Orphanet 440437, MedGen C3896578, MONDO:0018604.

gnomAD v4.1: 9 of 1,551,348 alleles (0.00058%); highest among the groups gnomAD compares: South Asian, 0.0036%; no homozygotes.

Submission:

Myriad Genetics, Inc.
Classification: Benign for Familial colorectal cancer type X. Last evaluated: 2026-08-04. Review status: criteria provided, single submitter. Criteria: Myriad Autosomal Dominant, Autosomal Recessive and X-Linked Classification Criteria (2023). Collection method: clinical testing. Allele origin: unknown.
Comment: This variant is considered benign. This variant is a silent/synonymous amino acid change and it is not expected to impact splicing.